The following is an entry in ClinVar:

NM_020778.5(ALPK3):c.2845C>T (p.Pro949Ser)

Gene: ALPK3 (alpha kinase 3; plus strand). Cytogenetic location: 15q25.3.
Variant type: single nucleotide variant.
Coding change: c.2845C>T on transcript NM_020778.5 (MANE Select); coding-DNA position 2845, C replaced by T.
Protein change: p.Pro949Ser; replaces proline 949 with serine.
Molecular consequence: missense variant.
Genome position (GRCh38, 1-based): chr15:84,857,583, C>T. VCF-style: chr15-84857583-C-T. GRCh37 (hg19) VCF-style: chr15-85400814-C-T.
Other names: short protein forms P949S.
Identifiers: ClinVar variation 1707324 (VCV001707324.2), dbSNP rs1204323600, ClinGen allele CA393358569.

ClinVar aggregate classification (germline): Uncertain significance (1 of 4 stars; one submission).

Allele frequency attached by ClinVar (database versions not stated): TOPMed below 0.00001.

Submission:

GeneDx
Classification: Uncertain significance. Last evaluated: 2022-03-22. Review status: criteria provided, single submitter. Criteria: GeneDx Variant Classification Process June 2021. Collection method: clinical testing. Allele origin: germline. Affected: yes.
Comment: Has not been previously published as pathogenic or benign to our knowledge; Not observed at significant frequency in large population cohorts (gnomAD); In silico analysis supports that this missense variant does not alter protein structure/function